The following is an entry in ClinVar:

ClinVar aggregate classification (germline): Uncertain significance. Review status: criteria provided, multiple submitters, no conflicts (2 of 4 stars). 3 submissions from 3 submitters: Uncertain significance (3). Last evaluated 2026-01-27.

Conditions:
Cardiovascular phenotype. Identifiers: MedGen CN230736.
Long QT syndrome (LQTS). Identifiers: MedGen C0023976, MeSH D008133, MONDO:0002442. Disease mechanism: loss of function. Inheritance: Various modes of inheritance.

Allele frequency attached by ClinVar (database versions not stated): gnomAD exomes below 0.00001.
gnomAD v4.1: 4 of 1,612,912 alleles (0.00025%); highest among the groups gnomAD compares: African/African-American, 0.0013%; no homozygotes.

Submissions (3):

Labcorp Genetics (formerly Invitae), Labcorp
Classification: Uncertain significance for Long QT syndrome. Last evaluated: 2026-01-27. Review status: criteria provided, single submitter. Criteria: Invitae Variant Classification Sherloc (09022015). Collection method: clinical testing. Allele origin: germline.
Comment: This sequence change replaces arginine, which is basic and polar, with tryptophan, which is neutral and slightly polar, at codon 418 of the CACNA1C protein (p.Arg418Trp). This variant is not present in population databases (gnomAD no frequency). This variant has not been reported in the literature in individuals affected with CACNA1C-related conditions. ClinVar contains an entry for this variant (Variation ID: 1761048). Invitae Evidence Modeling of protein sequence and biophysical properties (such as structural, functional, and spatial information, amino acid conservation, physicochemical variation, residue mobility, and thermodynamic stability) indicates that this missense variant is expected to disrupt CACNA1C protein function with a positive predictive value of 95%. In summary, the available evidence is currently insufficient to determine the role of this variant in disease. Therefore, it has been classified as a Variant of Uncertain Significance.

Laboratory of Genetics, Children's Clinical University Hospital Latvia
Classification: Uncertain significance. Last evaluated: 2025-02-16. Review status: criteria provided, single submitter. Criteria: ACMG Guidelines, 2015. Collection method: clinical testing. Allele origin: germline. Affected: yes.

Ambry Genetics
Classification: Uncertain significance for Cardiovascular phenotype. Last evaluated: 2021-12-01. Review status: criteria provided, single submitter. Criteria: Ambry Variant Classification Scheme 2023. Collection method: clinical testing. Allele origin: germline.
Comment: The p.R418W variant (also known as c.1252C>T), located in coding exon 9 of the CACNA1C gene, results from a C to T substitution at nucleotide position 1252. The arginine at codon 418 is replaced by tryptophan, an amino acid with dissimilar properties. This amino acid position is highly conserved in available vertebrate species. In addition, this alteration is predicted to be deleterious by in silico analysis. Since supporting evidence is limited at this time, the clinical significance of this alteration remains unclear.

NM_000719.7(CACNA1C):c.1252C>T (p.Arg418Trp)

Gene: CACNA1C (calcium voltage-gated channel subunit alpha1 C; plus strand). Cytogenetic location: 12p13.33.
Variant type: single nucleotide variant.
Coding change: c.1252C>T on transcript NM_000719.7 (MANE Select); coding-DNA position 1252, C replaced by T.
Protein change: p.Arg418Trp; replaces arginine 418 with tryptophan.
Molecular consequence: missense variant.
Genome position (GRCh38, 1-based): chr12:2,512,846, C>T. VCF-style: chr12-2512846-C-T. GRCh37 (hg19) VCF-style: chr12-2622012-C-T.
Other names: c.1252C>T, p.Arg418Trp (NM_001129827.2, NM_001129829.2, NM_001129830.3 and 18 more transcripts); c.1243C>T, p.Arg415Trp (NM_001129844.2); short protein forms R418W, R415W.
Identifiers: ClinVar variation 1761048 (VCV001761048.8), dbSNP rs1048097008, ClinGen allele CA231581313.